The following is an entry in ClinVar:

NM_138694.4(PKHD1):c.1032_1033del (p.Glu345fs)

Gene: PKHD1 (PKHD1 ciliary IPT domain containing fibrocystin/polyductin; minus strand). Cytogenetic location: 6p12.2.
Variant type: Deletion.
Coding change: c.1032_1033del on transcript NM_138694.4 (MANE Select); coding-DNA positions 1032 to 1033, 2 bases deleted (TG; older notation c.1032_1033delTG).
Protein change: p.Glu345fs; shifts the reading frame from glutamic acid 345.
Molecular consequence: frameshift variant.
Genome position (GRCh38, 1-based): chr6:52,062,604-52,062,605, CA deleted on the plus strand (TG on the coding strand, the reverse complement: PKHD1 is on the minus strand). VCF-style (leftmost placement, unchanged base first): chr6-52062603-TCA-T. GRCh37 (hg19) VCF-style: chr6-51927401-TCA-T.
Other names: c.1032_1033del (NM_138694.3); c.1032_1033del, p.Glu345fs (NM_170724.3); short protein forms E345fs.
Identifiers: ClinVar variation 828080 (VCV000828080.11), dbSNP rs1446729264, ClinGen allele CA567295544.

ClinVar aggregate classification (germline): Pathogenic/Likely pathogenic. Review status: criteria provided, multiple submitters, no conflicts (2 of 4 stars). 4 submissions from 4 submitters: Pathogenic (1); Likely pathogenic (2). 1 of the submissions does not count toward it. Last evaluated 2025-06-11.

Conditions:
Polycystic kidney disease 4 (PKD4). Also called: POLYCYSTIC KIDNEY AND HEPATIC DISEASE 1; POLYCYSTIC KIDNEY DISEASE, INFANTILE, TYPE I; POLYCYSTIC KIDNEY DISEASE 4 WITH OR WITHOUT POLYCYSTIC LIVER DISEASE; Autosomal Recessive Polycystic Kidney Disease – PKHD1; PKD3. Identifiers: MedGen C4540575, MONDO:0033004, OMIM 263200.
Autosomal recessive polycystic kidney disease (ARPKD). Also called: AR polycystic kidney disease. Identifiers: Orphanet 731, Orphanet 8378, MedGen C0085548, MeSH D017044, MONDO:0009889.

Allele frequency attached by ClinVar (database versions not stated): gnomAD exomes below 0.00001.

Submissions (4):

Natera, Inc.
Classification: Likely pathogenic for Autosomal recessive polycystic kidney disease. Last evaluated: 2025-06-11. Review status: criteria provided, single submitter. Criteria: Natera Variant Classification Schema (03/2026). Collection method: clinical testing. Allele origin: germline.
Comment: The c.1032_1033delTG variant in PKHD1 is a frameshift variant predicted to shift the reading frame beginning at codon 345 and leads to a stop codon 12 codons downstream. This variant is expected to result in nonsense mediated decay, truncation, or a dysfunctional protein product. This variant is rare in the general population with a frequency below the threshold expected for the associated phenotype(s). Given the available evidence, this variant is classified as Likely Pathogenic.

Fulgent Genetics
Classification: Likely pathogenic for Polycystic kidney disease 4. Last evaluated: 2024-03-14. Review status: criteria provided, single submitter. Criteria: ACMG Guidelines, 2015. Collection method: clinical testing. Allele origin: germline.

Labcorp Genetics (formerly Invitae), Labcorp
Classification: Pathogenic for Autosomal recessive polycystic kidney disease. Last evaluated: 2021-11-01. Review status: criteria provided, single submitter. Criteria: Invitae Variant Classification Sherloc (09022015). Collection method: clinical testing. Allele origin: germline.
Comment: ClinVar contains an entry for this variant (Variation ID: 828080). For these reasons, this variant has been classified as Pathogenic. This variant has not been reported in the literature in individuals affected with PKHD1-related conditions. This variant is present in population databases (no rsID available, gnomAD 0.003%). This sequence change creates a premature translational stop signal (p.Glu345Serfs*12) in the PKHD1 gene. It is expected to result in an absent or disrupted protein product. Loss-of-function variants in PKHD1 are known to be pathogenic (PMID: 19940839).

Sydney Genome Diagnostics, Children's Hospital Westmead
Classification: Likely pathogenic for Autosomal recessive polycystic kidney disease. Last evaluated: 2018-11-23. Review status: no assertion criteria provided. Collection method: clinical testing. Allele origin: unknown. Affected: yes. Observed: 1 variant allele, 1 compound heterozygote. Not counted in ClinVar's aggregate classification.
Comment: This frameshifting variant is predicted to create a premature stop codon p.(Glu345Serfs*12), and may result in a null allele due to nonsense-mediated mRNA decay. This variant has been reported in the gnomAD browser with a very low allele frequency of 0.0004% (1 out of 251,280 alleles). To our knowledge, this variant has not been previously reported in the literature or any disease specific databases. However, other truncating variants downstream of this amino acid have been reported in the literature (Bergmann et al 2005 Kid Int 67:829-848, Bergmann et al 2003 J Am Soc Nephrol 13:76-89, Obeidova et al 2015 BMC Med Genet 16:116). This variant is considered to be likely pathogenic according to the ACMG guidelines (Evidence used: PVS1, PM2).

Literature cited by the submitters: PubMed 19940839 (cited by Labcorp Genetics (formerly Invitae), Labcorp).